The following is an entry in ClinVar:

NM_033004.4(NLRP1):c.3214C>A (p.Pro1072Thr)

Gene: NLRP1 (NLR family pyrin domain containing 1; minus strand). Cytogenetic location: 17p13.2.
Variant type: single nucleotide variant.
Coding change: c.3214C>A on transcript NM_033004.4 (MANE Select); coding-DNA position 3214, C replaced by A.
Protein change: p.Pro1072Thr; replaces proline 1072 with threonine.
Molecular consequence: missense variant.
Genome position (GRCh38, 1-based): chr17:5,532,904, G>T on the plus strand (C>A on the coding strand, the complement: NLRP1 is on the minus strand). VCF-style: chr17-5532904-G-T. GRCh37 (hg19) VCF-style: chr17-5436224-G-T.
Other names: c.3226C>A, p.Pro1076Thr (NM_001033053.3); c.3214C>A, p.Pro1072Thr (NM_014922.5); c.3124C>A, p.Pro1042Thr (NM_033006.4, NM_033007.4); short protein forms P1072T, P1042T, P1076T.
Identifiers: ClinVar variation 2886218 (VCV002886218.3), dbSNP rs149973177, ClinGen allele CA8326898.
Genomic context (GRCh38, chr17:5,532,904, plus strand): 5'-CAACTACCTCAGTAGCCACAGGCCCCGTGGGGCCCCAGAAGTCATCGTCAGTCCCCAAAG[G>T]CTTCGTATGCAGGTCCCCTTGAGAGGCAGGAGAAGGCACGCACAAGAGTTCCACCGGTAC-3'
Protein context (NP_127497.1, residues 1062-1082): PASQGDLHTK[Pro1072Thr]LGTDDDFWGP

ClinVar aggregate classification (germline): Uncertain significance (1 of 4 stars; one submission).

Allele frequency attached by ClinVar (database versions not stated): 1000 Genomes Project 30x 0.00016; 1000 Genomes Project 0.00020.

Submission:

Labcorp Genetics (formerly Invitae), Labcorp
Classification: Uncertain significance. Last evaluated: 2024-02-16. Review status: criteria provided, single submitter. Criteria: Invitae Variant Classification Sherloc (09022015). Collection method: clinical testing. Allele origin: germline.
Comment: This sequence change replaces proline, which is neutral and non-polar, with threonine, which is neutral and polar, at codon 1072 of the NLRP1 protein (p.Pro1072Thr). This variant is present in population databases (rs149973177, gnomAD 0.007%). This variant has not been reported in the literature in individuals affected with NLRP1-related conditions. An algorithm developed to predict the effect of missense changes on protein structure and function (PolyPhen-2) suggests that this variant is likely to be tolerated. In summary, the available evidence is currently insufficient to determine the role of this variant in disease. Therefore, it has been classified as a Variant of Uncertain Significance.